The following is an entry in ClinVar:

NM_020975.6(RET):c.1850A>T (p.Lys617Met)

Gene: RET (ret proto-oncogene; plus strand). Cytogenetic location: 10q11.21.
Variant type: single nucleotide variant.
Coding change: c.1850A>T on transcript NM_020975.6 (MANE Select); coding-DNA position 1850, A replaced by T.
Protein change: p.Lys617Met; replaces lysine 617 with methionine.
Molecular consequence: missense variant. On other transcripts: intron variant (2).
Genome position (GRCh38, 1-based): chr10:43,113,646, A>T. VCF-style: chr10-43113646-A-T. GRCh37 (hg19) VCF-style: chr10-43609094-A-T.
Other names: c.1088A>T, p.Lys363Met (NM_001355216.2); c.1850A>T, p.Lys617Met (NM_001406743.1, NM_001406744.1, NM_001406759.1 and 4 more transcripts); c.1721A>T, p.Lys574Met (NM_001406761.1, NM_001406762.1, NM_001406764.1 and 1 more transcripts); c.1562A>T, p.Lys521Met (NM_001406766.1, NM_001406767.1, NM_001406770.1); c.1454A>T, p.Lys485Met (NM_001406769.1, NM_001406772.1); c.1412A>T, p.Lys471Met (NM_001406771.1, NM_001406773.1); c.1325A>T, p.Lys442Met (NM_001406774.1); c.1124A>T, p.Lys375Met (NM_001406775.1, NM_001406776.1, NM_001406777.1 and 1 more transcripts); and 7 more; short protein forms K222M, K287M, K363M, K521M, K617M, K442M, K471M, K574M.
Identifiers: ClinVar variation 3653170 (VCV003653170.2).
Genomic context (GRCh38, chr10:43,113,646, plus strand): 5'-GGGAGCCCCGGGGGATTAAAGCTGGCTATGGCACCTGCAACTGCTTCCCTGAGGAGGAGA[A>T]GTGCTTCTGCGAGCCCGAAGACATCCAGGGTGAGTGGGTGGCGGCCGGGACCACCACCAC-3'
Protein context (NP_066124.1, residues 607-627): GTCNCFPEEE[Lys617Met]CFCEPEDIQD

ClinVar aggregate classification (germline): Uncertain significance (1 of 4 stars; one submission).

Conditions:
Multiple endocrine neoplasia, type 2 (MEN2). Identifiers: Orphanet 653, MedGen C4048306, MONDO:0019003. Disease mechanism: gain of function.

gnomAD v4.1: 2 of 1,613,432 alleles (0.00012%); highest among the groups gnomAD compares: South Asian, 0.0022%; no homozygotes.

Submission:

Labcorp Genetics (formerly Invitae), Labcorp
Classification: Uncertain significance for Multiple endocrine neoplasia, type 2. Last evaluated: 2026-01-22. Review status: criteria provided, single submitter. Criteria: Invitae Variant Classification Sherloc (09022015). Collection method: clinical testing. Allele origin: germline.
Comment: This sequence change replaces lysine, which is basic and polar, with methionine, which is neutral and non-polar, at codon 617 of the RET protein (p.Lys617Met). This variant is not present in population databases (gnomAD no frequency). This variant has not been reported in the literature in individuals affected with RET-related conditions. ClinVar contains an entry for this variant (Variation ID: 3653170). An algorithm developed to predict the effect of missense changes on protein structure and function (PolyPhen-2) suggests that this variant is likely to be disruptive. In summary, the available evidence is currently insufficient to determine the role of this variant in disease. Therefore, it has been classified as a Variant of Uncertain Significance.